The following is an entry in ClinVar:

NM_054012.4(ASS1):c.1128-6_1188dup

Gene: ASS1 (argininosuccinate synthase 1; plus strand). Cytogenetic location: 9q34.11.
Variant type: Duplication.
Coding change: c.1128-6_1188dup on transcript NM_054012.4 (MANE Select); 6 bases into the intron before coding-DNA position 1128 through coding-DNA position 1188, 67 bases duplicated.
Molecular consequence: splice acceptor variant.
Genome position (GRCh38, 1-based): chr9:130,499,499-130,499,565, 67 bases duplicated. GRCh37 (hg19): chr9:133,374,886-133,374,952.
Other names: c.1128-6_1188dup (NM_000050.4); c.1128-6_1188dup67 (NM_000050.4).
Identifiers: ClinVar variation 495381 (VCV000495381.15), dbSNP rs1554725677, ClinGen allele CA658683553.

ClinVar aggregate classification (germline): Pathogenic/Likely pathogenic. Review status: criteria provided, multiple submitters, no conflicts (2 of 4 stars). 5 submissions from 4 submitters: Pathogenic (4); Likely pathogenic (1). Last evaluated 2025-01-23.

Conditions:
Citrullinemia type I (CTNL1). Also called: argininosuccinate synthetase deficiency; ASS DEFICIENCY. Identifiers: Orphanet 247525, MedGen C4721769, MONDO:0008988, OMIM 215700.
Citrullinemia. Identifiers: Orphanet 187, MedGen C0175683, MONDO:0015991.

Submissions (5):

Natera, Inc.
Classification: Likely pathogenic for Citrullinemia type I. Last evaluated: 2025-01-23. Review status: criteria provided, single submitter. Criteria: Natera Variant Classification Schema (03/2026). Collection method: clinical testing. Allele origin: germline.
Comment: The c.1128-6_1188dup variant in ASS1 is a frameshift variant predicted to shift the reading frame and introduce a stop codon. This variant is rare in the general population with a frequency below the threshold expected for the associated phenotype(s). This variant has been observed in one or more individuals affected with the associated recessive disease, as either homozygous or compound heterozygous with a second variant (PMID: 23246278, 16889683, 12815590, 10987146). Given the available evidence, this variant is classified as Likely Pathogenic.

3billion
Classification: Pathogenic for Citrullinemia type I. Last evaluated: 2024-11-19. Review status: criteria provided, single submitter. Criteria: ACMG Guidelines, 2015. Collection method: clinical testing. Allele origin: germline. Affected: yes.
Comment: The variant is observed at an extremely low frequency in the gnomAD v4.1.0 dataset (total allele frequency: <0.001%). Predicted Consequence/Location: Intron variant In silico tools predict the variant to alter splicing and produce an abnormal transcript [SpliceAI: 1.00 (>=0.2, moderate evidence for spliceogenicity)]. The variant has been reported to be in trans with a pathogenic variant as either compound heterozygous or homozygous in at least 2 similarly affected unrelated individuals (PMID: 23099195, 23246278). The variant has been reported at least twice as pathogenic with clinical assertions and evidence for the classification (ClinVar ID: VCV000495381 /3billion dataset). Therefore, this variant is classified as Pathogenic according to the recommendation of ACMG/AMP guideline.

Women's Health and Genetics/Laboratory Corporation of America, LabCorp
Classification: Pathogenic for Citrullinemia. Last evaluated: 2023-04-25. Review status: criteria provided, single submitter. Criteria: LabCorp Variant Classification Summary - May 2015. Collection method: clinical testing. Allele origin: germline.
Comment: Variant summary: ASS1 c.1128-6_1188dup67 (p.Arg398Glnfs*7) is expected to create a premature stop codon resulting in a truncated or absent protein. The variant was absent in 249548 control chromosomes. c.1128-6_1188dup67 has been reported in the literature in multiple individuals affected with Citrullinemia Type I (Lee_2013, Woo_2013). These data indicate that the variant is very likely to be associated with disease. To our knowledge, no experimental evidence demonstrating an impact on protein function has been reported. The following publications have been ascertained in the context of this evaluation (PMID: 23246278, 23099195). Two clinical diagnostic laboratories have submitted clinical-significance assessments for this variant to ClinVar after 2014 without evidence for independent evaluation. All laboratories classified the variant as pathogenic. Based on the evidence outlined above, the variant was classified as pathogenic.

Labcorp Genetics (formerly Invitae), Labcorp
Classification: Pathogenic for Citrullinemia. Last evaluated: 2021-08-07. Review status: criteria provided, single submitter. Criteria: Invitae Variant Classification Sherloc (09022015). Collection method: clinical testing. Allele origin: germline.
Comment: This variant is also known as 1127_1128ins67. This premature translational stop signal has been observed in individuals with citrullinemia type I (PMID: 12815590, 23099195, 23246278). This variant is not present in population databases (ExAC no frequency). This sequence change creates a premature translational stop signal (p.Arg398Glnfs*7) in the ASS1 gene. While this is not anticipated to result in nonsense mediated decay, it is expected to disrupt the last 15 amino acid(s) of the ASS1 protein. ClinVar contains an entry for this variant (Variation ID: 495381). For these reasons, this variant has been classified as Pathogenic. Variants that disrupt the consensus splice site are a relatively common cause of aberrant splicing (PMID: 17576681, 9536098). Algorithms developed to predict the effect of sequence changes on RNA splicing suggest that this variant may create or strengthen a splice site.

Women's Health and Genetics/Laboratory Corporation of America, LabCorp
Classification: Pathogenic for Citrullinemia. Last evaluated: 2016-02-02. Review status: criteria provided, single submitter. Criteria: LabCorp Variant Classification Summary - May 2015. Collection method: clinical testing. Allele origin: germline.

Literature cited by the submitters: PubMed 23246278 (cited by 4 submitters); PubMed 16889683 (cited by Natera, Inc.); PubMed 12815590 (cited by Natera, Inc. and Labcorp Genetics (formerly Invitae), Labcorp); PubMed 10987146 (cited by Natera, Inc.); PubMed 23099195 (cited by 3 submitters); PubMed 17576681 (cited by Labcorp Genetics (formerly Invitae), Labcorp); PubMed 9536098 (cited by Labcorp Genetics (formerly Invitae), Labcorp).